The following is an entry in ClinVar:

ClinVar aggregate classification (germline): Uncertain significance (1 of 4 stars; one submission).

Conditions:
Malignant hyperthermia, susceptibility to, 5 (MHS5). Also called: CACNA1S-Related Malignant Hyperthermia Susceptibility. Identifiers: Orphanet 423, MedGen C1866077, MONDO:0011163, OMIM 601887.

Allele frequency attached by ClinVar (database versions not stated): ExAC 0.00001.
gnomAD v4.1: 4 of 1,613,848 alleles (0.00025%); highest among the groups gnomAD compares: Non-Finnish European, 0.000085%; no homozygotes.

Submission:

All of Us Research Program, National Institutes of Health
Classification: Uncertain significance for Malignant hyperthermia, susceptibility to, 5. Last evaluated: 2023-06-08. Review status: criteria provided, single submitter. Criteria: ACMG Guidelines, 2015. Collection method: clinical testing. Allele origin: germline. Inheritance: Autosomal dominant inheritance. Observed: 1 variant allele, 1 heterozygote.
Comment: This missense variant replaces asparagine with isoleucine at codon 468 of the CACNA1S protein. Computational prediction suggests that this variant may have deleterious impact on protein structure and function (internally defined REVEL score threshold >= 0.7, PMID: 27666373). To our knowledge, functional studies have not been reported for this variant. This variant has not been reported in individuals affected with CACNA1S-related disorders in the literature. This variant has been identified in 2/251442 chromosomes in the general population by the Genome Aggregation Database (gnomAD). The available evidence is insufficient to determine the role of this variant in disease conclusively. Therefore, this variant is classified as a Variant of Uncertain Significance.

This study involves interpretation of variants in research participants for the purpose of population health screening. Participant phenotype was not available at the time of variant classification. Additional details can be found in publication PMID: 35346344, PMCID: PMC8962531

NM_000069.3(CACNA1S):c.1403A>T (p.Asn468Ile)

Gene: CACNA1S (calcium voltage-gated channel subunit alpha1 S; minus strand). Cytogenetic location: 1q32.1.
Variant type: single nucleotide variant.
Coding change: c.1403A>T on transcript NM_000069.3 (MANE Select); coding-DNA position 1403, A replaced by T.
Protein change: p.Asn468Ile; replaces asparagine 468 with isoleucine.
Molecular consequence: missense variant.
Genome position (GRCh38, 1-based): chr1:201,078,095, T>A on the plus strand (A>T on the coding strand, the complement: CACNA1S is on the minus strand). VCF-style: chr1-201078095-T-A. GRCh37 (hg19) VCF-style: chr1-201047223-T-A.
Other names: short protein forms N468I.
Identifiers: ClinVar variation 3071595 (VCV003071595.1), dbSNP rs781085349, ClinGen allele CA078221.